The following is an entry in ClinVar:

ClinVar aggregate classification (germline): Pathogenic. Review status: criteria provided, multiple submitters, no conflicts (2 of 4 stars). 10 submissions from 10 submitters: Pathogenic (8). 2 of the submissions do not count toward it. Last evaluated 2025-04-14.

Conditions:
Fanconi anemia, complementation group S (FANCS). Identifiers: MedGen C4554406, MONDO:0054748, OMIM 617883.
Breast-ovarian cancer, familial, susceptibility to, 1 (BROVCA1). Also called: OVARIAN CANCER, SUSCEPTIBILITY TO; BRCA1 Hereditary Breast and Ovarian Cancer. Identifiers: Orphanet 145, MedGen C2676676, MONDO:0011450, OMIM 604370. Disease mechanism: loss of function.
Pancreatic cancer, susceptibility to, 4. Identifiers: Orphanet 1333, MedGen C3280442, MONDO:0013685, OMIM 614320.
Hereditary cancer-predisposing syndrome. Also called: Neoplastic Syndromes, Hereditary; Tumor predisposition; Hereditary Cancer Syndrome; Hereditary neoplastic syndrome. Identifiers: Orphanet 140162, MedGen C0027672, MeSH D009386, MONDO:0015356.
Hereditary breast ovarian cancer syndrome. Also called: Hereditary breast and/or ovarian cancer syndrome; Hereditary breast and ovarian cancer syndrome; Hereditary breast and ovarian cancer; Hereditary breast and ovarian cancer syndrome (HBOC); Breast and ovarian cancer; BRCA1- and BRCA2-Associated Hereditary Breast and Ovarian Cancer. Identifiers: Orphanet 145, MedGen C0677776, MeSH D061325, MONDO:0003582. Disease mechanism: loss of function.

Submissions 1 to 7 of 11:

Labcorp Genetics (formerly Invitae), Labcorp
Classification: Pathogenic for Hereditary breast ovarian cancer syndrome. Last evaluated: 2025-04-14. Review status: criteria provided, single submitter. Criteria: Invitae Variant Classification Sherloc (09022015). Collection method: clinical testing. Allele origin: germline.
Comment: This sequence change replaces arginine, which is basic and polar, with lysine, which is basic and polar, at codon 71 of the BRCA1 protein (p.Arg71Lys). RNA analysis indicates that this missense change induces altered splicing and may result in an absent or altered protein product. This variant is not present in population databases (gnomAD no frequency). This missense change has been observed in individual(s) with breast and/or ovarian cancer (PMID: 11802209, 25480878, 28724667, 29435039, 29752822). This variant is also known as 331G>A. ClinVar contains an entry for this variant (Variation ID: 54471). An algorithm developed to predict the effect of missense changes on protein structure and function (PolyPhen-2) suggests that this variant is likely to be disruptive. Variants that disrupt the consensus splice site are a relatively common cause of aberrant splicing (PMID: 17576681, 9536098). Studies have shown that this missense change results in activation of a cryptic splice site, and produces a non-functional protein and/or introduces a premature termination codon (PMID: 21863257, 22505045, 23451180). For these reasons, this variant has been classified as Pathogenic.

Ambry Genetics
Classification: Pathogenic for Hereditary cancer-predisposing syndrome. Last evaluated: 2025-01-15. Review status: criteria provided, single submitter. Criteria: Ambry Variant Classification Scheme 2023. Collection method: clinical testing. Allele origin: germline.
Comment: The c.212G>A pathogenic mutation (also known as p.R71K and 331G>A), located in coding exon 3 of the BRCA1 gene, results from a G to A substitution at nucleotide position 212. The arginine at codon 71 is replaced by lysine, an amino acid with highly similar properties. However, this change occurs in the last base pair of coding exon 3, which makes it likely to have some effect on normal mRNA splicing. This alteration has been demonstrated to lead to the generation of an alternately spliced transcript (Ambry internal data; Zhang L et al. Breast Cancer Res Treat. 2011;130(3):1051-6; Houdayer C et al. Hum Mutat. 2012 Aug;33:1228-38). In two independent studies, using semi-quantitative and qualitative RT-PCR analysis, this alteration was shown to significantly increase the expression of delta exon 5q isoform compared to the full-length transcript (Caleca L et al. PLoS One. 2014; 6;9(2):e86924; Colombo M et al PLoS One. 2013;8(2):e57173). One functional study found that this nucleotide substitution is non-functional in a high-throughput, genome editing, haploid cell survival assay (Findlay GM et al. Nature. 2018 10;562:217-222). This alteration has also been identified in cohorts of breast and ovarian cancer patients (Meindl A et al. Int J Cancer. 2002; 1;97(4):472-80; Fang M et al. Oncol Lett. 2018 Mar;15:3068-3074; Li A et al. Gynecol Oncol. 2018 10;151:145-152). This variant is considered to be rare based on population cohorts in the Genome Aggregation Database (gnomAD). This nucleotide position is highly conserved in available vertebrate species. In silico splice site analysis predicts that this alteration will weaken the native splice donor site. Based on the available evidence to date, this alteration is classified as a pathogenic mutation.

Color Diagnostics, LLC DBA Color Health
Classification: Pathogenic for Hereditary cancer-predisposing syndrome. Last evaluated: 2024-06-10. Review status: criteria provided, single submitter. Criteria: ACMG Guidelines, 2015. Collection method: clinical testing. Allele origin: germline.
Comment: This variant alters the conserved guanine at the last nucleotide position of exon 4 of the BRCA1 gene. This variant is also known as 331G>A in exon 5 according to the BIC nomenclature and exon naming system. This variant is predicted to disrupt the reference intron 4 splice donor site and also to activate an out-of-frame cryptic donor site (PMID: 35449021). RNA studies have reported that this variant caused out-of-frame splicing due to the use of a cryptic splice site in carrier RNA and minigene splicing assays (PMID: 21863257, 22505045, 23451180), and one study also found the in-frame skipping of exon 4 impacting the functionally important RING domain (PMID: 21863257). Functional studies have reported findings consistent with this variant causing unstable mRNA thus impacting BRCA1 function (PMID: 30209399), whereas the variant protein change (p.Arg71Lys) on its own had no impact on BARD1 binding and E3 ligase assays (PMID: 25823446, 35659930). This variant has been reported three individuals affected with ovarian cancer (PMID: 30078507) and in at least six individuals affected with breast cancer (PMID: 11802209, 21863257, 25480878, 26577449, 28724667, 29435039, 29752822). This variant has not been identified in the general population by the Genome Aggregation Database (gnomAD). Different nucleotide substitutions at the same position, c.212G>C and c.212G>T, have also been reported as disease-causing (ClinVar variation ID: 267512 and 185705). Loss of BRCA1 function is a known mechanism of disease. Based on the available evidence, this variant is classified as Pathogenic.

Women's Health and Genetics/Laboratory Corporation of America, LabCorp
Classification: Pathogenic for Hereditary breast ovarian cancer syndrome. Last evaluated: 2022-10-17. Review status: criteria provided, single submitter. Criteria: LabCorp Variant Classification Summary - May 2015. Collection method: clinical testing. Allele origin: germline.
Comment: Variant summary: BRCA1 c.212G>A (p.Arg71Lys) results in a conservative amino acid change in the encoded protein sequence. Three of five in-silico tools predict a damaging effect of the variant on protein function. Several computational tools predict a significant impact on normal splicing: Three predict the variant abolishes a canonical 5' splicing donor site and one predicts the variant weakens the 5' donor site. At least two publications report experimental evidence that this variant completely abolishes normal mRNA splicing and instead uses a cryptic splice site 22 nucleotides upstream from the canonical 5' splice site (e.g. Zhang_2011, Houdayer_2012). The variant was absent in 249744 control chromosomes (gnomAD). c.212G>A has been reported in the literature in multiple individuals affected with breast/ovarian cancer, including those with a positive family history of these and other cancers (e.g. Meindl_2002, Zhang_2011, Francies_2015, Li_2018). These data indicate that the variant is very likely to be associated with disease. At least one functional study reports experimental evidence evaluating an impact on protein function and showed no damaging effect of this variant on homology directed repair (HDR) activity (e.g. Findlay_2018). HDR assays qualify as a recognized gold standard on the basis of updated guidance provided by the ClinGen Sequence Variant Interpretation (SVI) working group. Four submitters have provided clinical-significance assessments for this variant to ClinVar after 2014 and all classified the variant as pathogenic. Based on the evidence outlined above, the variant was classified as pathogenic.

Revvity Omics, Revvity
Classification: Pathogenic. Last evaluated: 2022-04-02. Review status: criteria provided, single submitter. Criteria: ACMG Guidelines, 2015. Collection method: clinical testing. Allele origin: germline.

Quest Diagnostics Nichols Institute San Juan Capistrano
Classification: Pathogenic. Last evaluated: 2021-05-24. Review status: criteria provided, single submitter. Criteria: Quest Diagnostics criteria. Collection method: clinical testing. Allele origin: unknown.
Comment: This variant has been reported in multiple individuals affected with breast/ovarian cancer in the published literature (PMID: 11802209 (2002), 31825140 (2019)). This variant was observed to cause a major splicing defect that reduces the full-length transcript to a level below the aberrant transcript (PMID: 21863257 (2011), 22505045 (2012), 23451180 (2013)). This variant has not been reported in large, multi-ethnic general populations. Variant is located in potentially critical domain of the protein. Variant is predicted to negatively affect a known splice site. Based on the available information, this variant is classified as pathogenic.

Consortium of Investigators of Modifiers of BRCA1/2 (CIMBA), c/o University of Cambridge
Classification: Pathogenic for Breast-ovarian cancer, familial, susceptibility to, 1. Last evaluated: 2015-10-02. Review status: criteria provided, single submitter. Criteria: CIMBA Mutation Classification guidelines May 2016. Collection method: clinical testing. Allele origin: germline.

NM_007294.4(BRCA1):c.212G>A (p.Arg71Lys)

Gene: BRCA1 (BRCA1 DNA repair associated; minus strand). Cytogenetic location: 17q21.31.
Variant type: single nucleotide variant.
Coding change: c.212G>A on transcript NM_007294.4 (MANE Select); coding-DNA position 212, G replaced by A.
Protein change: p.Arg71Lys; replaces arginine 71 with lysine.
Molecular consequence: missense variant.
Genome position (GRCh38, 1-based): chr17:43,106,456, C>T on the plus strand (G>A on the coding strand, the complement: BRCA1 is on the minus strand). VCF-style: chr17-43106456-C-T. GRCh37 (hg19) VCF-style: chr17-41258473-C-T.
Other names: c.212G>A, p.Arg71Lys (NM_001407581.1, NM_001407582.1, NM_001407583.1 and 168 more transcripts); c.71G>A, p.Arg24Lys (NM_001407692.1, NM_001407694.1, NM_001407695.1 and 99 more transcripts); short protein forms R71K, R24K.
Identifiers: ClinVar variation 54471 (VCV000054471.30), dbSNP rs80356913, ClinGen allele CA001420.